The following is an entry in ClinVar:

ClinVar aggregate classification (germline): Uncertain significance (1 of 4 stars; one submission).

Allele frequency attached by ClinVar (database versions not stated): ESP Exome Variant Server 0.00109; gnomAD exomes 0.00012; 1000 Genomes Project 0.00120; TOPMed 0.00157; ExAC 0.00071; 1000 Genomes Project 30x 0.00109; gnomAD 0.00143.

Submission:

GeneDx
Classification: Uncertain significance. Last evaluated: 2026-05-09. Review status: criteria provided, single submitter. Criteria: GeneDx Variant Classification Process June 2021. Collection method: clinical testing. Allele origin: germline.
Comment: Frameshift variant predicted to result in protein truncation or nonsense mediated decay in a gene or region of a gene for which loss of function is not a well-established mechanism of disease; Has not been previously published as pathogenic or benign to our knowledge

NM_001367479.1(DNAH14):c.12627dup (p.Arg4210fs)

Gene: DNAH14 (dynein axonemal heavy chain 14; plus strand). Cytogenetic location: 1q42.12.
Variant type: Duplication.
Coding change: c.12627dup on transcript NM_001367479.1 (MANE Select); coding-DNA position 12627, one base duplicated (C; older notation c.12627dupC).
Protein change: p.Arg4210fs; shifts the reading frame from arginine 4210.
Molecular consequence: frameshift variant.
Genome position (GRCh38, 1-based): chr1:225,377,347, C duplicated. VCF-style (leftmost placement, unchanged base first): chr1-225377346-T-TC. GRCh37 (hg19) VCF-style: chr1-225565048-T-TC.
Other names: NM_001373.1:c.12321dup; short protein forms R4210fs.
Identifiers: ClinVar variation 2579969 (VCV002579969.2), dbSNP rs369640978, ClinGen allele CA1416857.
Genomic context (GRCh38, chr1:225,377,346, plus strand): 5'-TTATCCAGTCCTTACCTGATGATGACCTTCCCGAGGTCTTAGGAATACACCCAGAGGCCA[T>TC]CAGGAGCTGCTGGGAGACCCAGGGCGAAAAGTTTATTGAAAATCTGATTGCCATGCAACC-3'